The following is an entry in ClinVar:

NM_024685.4(BBS10):c.686C>G (p.Pro229Arg)

Gene: BBS10 (Bardet-Biedl syndrome 10; minus strand). Cytogenetic location: 12q21.2.
Variant type: single nucleotide variant.
Coding change: c.686C>G on transcript NM_024685.4 (MANE Select); coding-DNA position 686, C replaced by G.
Protein change: p.Pro229Arg; replaces proline 229 with arginine.
Molecular consequence: missense variant.
Genome position (GRCh38, 1-based): chr12:76,347,299, G>C on the plus strand (C>G on the coding strand, the complement: BBS10 is on the minus strand). VCF-style: chr12-76347299-G-C. GRCh37 (hg19) VCF-style: chr12-76741079-G-C.
Other names: short protein forms P229R.
Identifiers: ClinVar variation 3336435 (VCV003336435.2).

ClinVar aggregate classification (germline): Conflicting classifications of pathogenicity. Review status: criteria provided, conflicting classifications (1 of 4 stars). 2 submissions from 2 submitters: Likely pathogenic (1); Uncertain significance (1). Last evaluated 2024-05-23.

Conditions:
Bardet-Biedl syndrome 10 (BBS10). Identifiers: Orphanet 110, MedGen C1859568, MONDO:0014438, OMIM 615987.

Submissions (2):

Fulgent Genetics
Classification: Likely pathogenic for Bardet-Biedl syndrome 10. Last evaluated: 2024-05-23. Review status: criteria provided, single submitter. Criteria: ACMG Guidelines, 2015. Collection method: clinical testing. Allele origin: germline.

Women's Health and Genetics/Laboratory Corporation of America, LabCorp
Classification: Uncertain significance. Last evaluated: 2024-05-22. Review status: criteria provided, single submitter. Criteria: LabCorp Variant Classification Summary - May 2015. Collection method: clinical testing. Allele origin: germline.
Comment: Variant summary: BBS10 c.686C>G (p.Pro229Arg) results in a non-conservative amino acid change located in the TCP-1-like chaperonin intermediate domain superfamily domain (IPR027410) of the encoded protein sequence. Five of five in-silico tools predict a damaging effect of the variant on protein function. The variant was absent in 251108 control chromosomes. c.686C>G has been reported in the literature in at least one homozygous individual affected with Bardet-Biedl Syndrome (e.g. Zhong_2023). These data indicate that the variant may be associated with disease. To our knowledge, no experimental evidence demonstrating an impact on protein function has been reported. The following publication has been ascertained in the context of this evaluation (PMID: 37031301). No submitters have cited clinical-significance assessments for this variant to ClinVar. Based on the evidence outlined above, the variant was classified as VUS-possibly pathogenic.

Literature cited by the submitters: PubMed 37031301 (cited by Women's Health and Genetics/Laboratory Corporation of America, LabCorp).